The following is an entry in ClinVar:

NM_030665.4(RAI1):c.2171C>T (p.Ala724Val)

Gene: RAI1 (retinoic acid induced 1; plus strand). Cytogenetic location: 17p11.2.
Variant type: single nucleotide variant.
Coding change: c.2171C>T on transcript NM_030665.4 (MANE Select); coding-DNA position 2171, C replaced by T.
Protein change: p.Ala724Val; replaces alanine 724 with valine.
Molecular consequence: missense variant.
Genome position (GRCh38, 1-based): chr17:17,795,119, C>T. VCF-style: chr17-17795119-C-T. GRCh37 (hg19) VCF-style: chr17-17698433-C-T.
Other names: short protein forms A724V.
Identifiers: ClinVar variation 2833657 (VCV002833657.3), dbSNP rs773485755, ClinGen allele CA8418476.

ClinVar aggregate classification (germline): Uncertain significance (1 of 4 stars; one submission).

Allele frequency attached by ClinVar (database versions not stated): gnomAD exomes below 0.00001; ExAC 0.00001.
gnomAD v4.1: 1 of 1,614,108 alleles (0.000062%); highest among the groups gnomAD compares: Non-Finnish European, 0.000085%; no homozygotes.

Submission:

Labcorp Genetics (formerly Invitae), Labcorp
Classification: Uncertain significance. Last evaluated: 2023-02-01. Review status: criteria provided, single submitter. Criteria: Invitae Variant Classification Sherloc (09022015). Collection method: clinical testing. Allele origin: germline.
Comment: This sequence change replaces alanine, which is neutral and non-polar, with valine, which is neutral and non-polar, at codon 724 of the RAI1 protein (p.Ala724Val). This variant is present in population databases (rs773485755, gnomAD 0.0009%). This variant has not been reported in the literature in individuals affected with RAI1-related conditions. Advanced modeling of protein sequence and biophysical properties (such as structural, functional, and spatial information, amino acid conservation, physicochemical variation, residue mobility, and thermodynamic stability) performed at Invitae indicates that this missense variant is not expected to disrupt RAI1 protein function. In summary, the available evidence is currently insufficient to determine the role of this variant in disease. Therefore, it has been classified as a Variant of Uncertain Significance.